The following is an entry in ClinVar:

ClinVar aggregate classification (germline): Uncertain significance. Review status: criteria provided, multiple submitters, no conflicts (2 of 4 stars). 2 submissions from 2 submitters: Uncertain significance (2). Last evaluated 2025-12-29.

Conditions:
Hereditary cancer-predisposing syndrome. Also called: Hereditary neoplastic syndrome; Neoplastic Syndromes, Hereditary; Tumor predisposition; Hereditary Cancer Syndrome. Identifiers: Orphanet 140162, MedGen C0027672, MeSH D009386, MONDO:0015356.
Familial cancer of breast. Also called: Hereditary breast cancer; BREAST CANCER, FAMILIAL; hereditary breast carcinoma. Identifiers: Orphanet 227535, MedGen C0346153, MONDO:0016419, OMIM 114480. Disease mechanism: loss of function.

Submissions (2):

Labcorp Genetics (formerly Invitae), Labcorp
Classification: Uncertain significance for Familial cancer of breast. Last evaluated: 2025-12-29. Review status: criteria provided, single submitter. Criteria: Invitae Variant Classification Sherloc (09022015). Collection method: clinical testing. Allele origin: germline.
Comment: This sequence change replaces glycine, which is neutral and non-polar, with valine, which is neutral and non-polar, at codon 1043 of the PALB2 protein (p.Gly1043Val). This variant is not present in population databases (gnomAD no frequency). This missense change has been observed in individual(s) with breast cancer (PMID: 33811135). ClinVar contains an entry for this variant (Variation ID: 2781528). Invitae Evidence Modeling of protein sequence and biophysical properties (such as structural, functional, and spatial information, amino acid conservation, physicochemical variation, residue mobility, and thermodynamic stability) indicates that this missense variant is expected to disrupt PALB2 protein function with a positive predictive value of 80%. Experimental studies have shown that this missense change affects PALB2 function (PMID: 33811135). In summary, the available evidence is currently insufficient to determine the role of this variant in disease. Therefore, it has been classified as a Variant of Uncertain Significance.

Ambry Genetics
Classification: Uncertain significance for Hereditary cancer-predisposing syndrome. Last evaluated: 2025-10-10. Review status: criteria provided, single submitter. Criteria: Ambry Variant Classification Scheme 2023. Collection method: clinical testing. Allele origin: germline.
Comment: The p.G1043V variant (also known as c.3128G>T), located in coding exon 11 of the PALB2 gene, results from a G to T substitution at nucleotide position 3128. The glycine at codon 1043 is replaced by valine, an amino acid with dissimilar properties. This amino acid position is highly conserved in available vertebrate species. In addition, the in silico prediction for this alteration is inconclusive. Based on the available evidence, the clinical significance of this variant remains unclear.

Literature cited by the submitters: PubMed 33811135 (cited by Labcorp Genetics (formerly Invitae), Labcorp).

NM_024675.4(PALB2):c.3128G>T (p.Gly1043Val)

Gene: PALB2 (partner and localizer of BRCA2; minus strand). Cytogenetic location: 16p12.2.
Variant type: single nucleotide variant.
Coding change: c.3128G>T on transcript NM_024675.4 (MANE Select); coding-DNA position 3128, G replaced by T.
Protein change: p.Gly1043Val; replaces glycine 1043 with valine.
Molecular consequence: missense variant. On other transcripts: intron variant (3).
Genome position (GRCh38, 1-based): chr16:23,614,077, C>A on the plus strand (G>T on the coding strand, the complement: PALB2 is on the minus strand). VCF-style: chr16-23614077-C-A. GRCh37 (hg19) VCF-style: chr16-23625398-C-A.
Other names: c.662G>T, p.Gly221Val (NM_001407314.1); c.2228+7285G>T (NM_001407308.1, NM_001407309.1); c.3113+7285G>T (NM_001407299.1); c.3068G>T, p.Gly1023Val (NM_001407296.1); c.3056G>T, p.Gly1019Val (NM_001407297.1); c.2966G>T, p.Gly989Val (NM_001407298.1, NM_001407302.1); c.2849G>T, p.Gly950Val (NM_001407300.1); c.3128G>T, p.Gly1043Val (NM_001407301.1); and 3 more; short protein forms G950V, G1023V, G221V, G694V, G989V, G447V, G1019V, G1043V.
Identifiers: ClinVar variation 2781528 (VCV002781528.4), dbSNP rs377713277, ClinGen allele CA395141427.